The following is an entry in ClinVar:

NM_001042492.3(NF1):c.5839G>T (p.Glu1947Ter)

Gene: NF1 (neurofibromin 1; plus strand). Cytogenetic location: 17q11.2.
Variant type: single nucleotide variant.
Coding change: c.5839G>T on transcript NM_001042492.3 (MANE Select); coding-DNA position 5839, G replaced by T.
Protein change: p.Glu1947Ter; replaces glutamic acid 1947 with a stop codon.
Molecular consequence: nonsense.
Genome position (GRCh38, 1-based): chr17:31,334,864, G>T. VCF-style: chr17-31334864-G-T. GRCh37 (hg19) VCF-style: chr17-29661882-G-T.
Other names: c.5776G>T, p.Glu1926Ter (NM_000267.4); short protein forms E1926*, E1947*.
Identifiers: ClinVar variation 141892 (VCV000141892.13), dbSNP rs587782088, ClinGen allele CA166718.
Genomic context (GRCh38, chr17:31,334,864, plus strand): 5'-GACCATCACATGCTAATAGTGTATTTTTTTCCAGGTATTGAATTGAAACACCTTTGTTTG[G>T]AATACATGACTCCATGGCTGTCAAATCTAGTTCGTTTTTGCAAGCATAATGATGATGCCA-3'

ClinVar aggregate classification (germline): Pathogenic. Review status: criteria provided, multiple submitters, no conflicts (2 of 4 stars). 4 submissions from 4 submitters: Pathogenic (4). Last evaluated 2022-03-15.

Conditions:
Hereditary cancer-predisposing syndrome. Also called: Neoplastic Syndromes, Hereditary; Hereditary Cancer Syndrome; Hereditary neoplastic syndrome; Tumor predisposition. Identifiers: Orphanet 140162, MedGen C0027672, MeSH D009386, MONDO:0015356.
Neurofibromatosis, type 1 (NF1). Also called: VON RECKLINGHAUSEN DISEASE; Neurofibromatosis, type I; NEUROFIBROMATOSIS, TYPE I, SOMATIC; Peripheral type neurofibromatosis. Identifiers: Orphanet 636, MedGen C0027831, MONDO:0018975, OMIM 162200. Disease mechanism: loss of function.

Submissions (4):

Genome-Nilou Lab
Classification: Pathogenic for Neurofibromatosis, type 1. Last evaluated: 2022-03-15. Review status: criteria provided, single submitter. Criteria: ACMG Guidelines, 2015. Collection method: clinical testing. Allele origin: germline. Affected: no.

Labcorp Genetics (formerly Invitae), Labcorp
Classification: Pathogenic for Neurofibromatosis, type 1. Last evaluated: 2021-09-25. Review status: criteria provided, single submitter. Criteria: Invitae Variant Classification Sherloc (09022015). Collection method: clinical testing. Allele origin: germline.
Comment: For these reasons, this variant has been classified as Pathogenic. ClinVar contains an entry for this variant (Variation ID: 141892). This premature translational stop signal has been observed in individual(s) with NF1-related conditions (PMID: 21520333). This variant is not present in population databases (ExAC no frequency). This sequence change creates a premature translational stop signal (p.Glu1926*) in the NF1 gene. It is expected to result in an absent or disrupted protein product. Loss-of-function variants in NF1 are known to be pathogenic (PMID: 10712197, 23913538).

GeneDx
Classification: Pathogenic. Last evaluated: 2019-08-28. Review status: criteria provided, single submitter. Criteria: GeneDx Variant Classification Process June 2021. Collection method: clinical testing. Allele origin: germline. Affected: yes.
Comment: Nonsense variant predicted to result in protein truncation or nonsense mediated decay in a gene for which loss-of-function is a known mechanism of disease; Not observed in large population cohorts (Lek et al., 2016); This variant is associated with the following publications: (PMID: 29617658, 28152038)

Ambry Genetics
Classification: Pathogenic for Hereditary cancer-predisposing syndrome. Last evaluated: 2014-02-18. Review status: criteria provided, single submitter. Criteria: Ambry Autosomal Dominant and X-Linked criteria (10/2015). Collection method: clinical testing. Allele origin: germline. Observed: 1 variant allele.
Comment: Ã¢â‚¬â€¹The p.E1947* pathogenic mutation (also known as c.5839G>T), located in coding exon 40 of the NF1 gene, results from a G to T substitution at nucleotide position 5839. This changes the amino acid from a glutamic acid to a stop codon within coding exon 40. Since premature stop codons are typically deleterious in nature, this alteration is interpreted as a disease-causing mutation (ACMG Recommendations for Standards for Interpretation and Reporting of Sequence Variations. Revision 2007. Genet Med. 2008;10:294).

Literature cited by the submitters: PubMed 21520333 (cited by Labcorp Genetics (formerly Invitae), Labcorp); PubMed 10712197 (cited by Labcorp Genetics (formerly Invitae), Labcorp); PubMed 23913538 (cited by Labcorp Genetics (formerly Invitae), Labcorp).